The following is an entry in ClinVar:

NM_024318.5(LILRA6):c.1290A>T (p.Thr430=)

Gene: LILRA6 (leukocyte immunoglobulin like receptor A6; minus strand). Cytogenetic location: 19q13.42.
Variant type: single nucleotide variant.
Coding change: c.1290A>T on transcript NM_024318.5 (MANE Select); coding-DNA position 1290, A replaced by T.
Protein change: p.Thr430=; no amino-acid change (threonine 430 retained).
Molecular consequence: synonymous variant. On other transcripts: non-coding transcript variant (1).
Genome position (GRCh38, 1-based): chr19:54,239,920, T>A on the plus strand (A>T on the coding strand, the complement: LILRA6 is on the minus strand). VCF-style: chr19-54239920-T-A. GRCh37 (hg19) VCF-style: chr19-54743796-T-A.
Identifiers: ClinVar variation 2650430 (VCV002650430.24), dbSNP rs751880102, ClinGen allele CA309415218.
Genomic context (GRCh38, chr19:54,239,920, plus strand): 5'-CTGGGGGAGGCGGCGCTCCCCACGAGGCCTCAGTGACTCACCAGGTGTGGAGGGCGGCCC[T>A]GTGGGTGGGAGGCTGGAGCCTCCAGAGTGTCCTGGAAGGAGCACGGGAGGCGGGTGAGGG-3'
Protein context (NP_077294.3, residues 420-440): GHSGGSSLPP[Thr430=]GPPSTPASHA

ClinVar aggregate classification (germline): Likely benign (1 of 4 stars; one submission).

Submission:

CeGaT Center for Human Genetics Tuebingen
Classification: Likely benign. Last evaluated: 2022-04-01. Review status: criteria provided, single submitter. Criteria: CeGaT Center For Human Genetics Tuebingen Variant Classification Criteria Version 2. Collection method: clinical testing. Allele origin: germline. Affected: yes. Observed: 1 variant allele.
Comment: LILRA6: BP4, BP7